The following is an entry in ClinVar:

NM_000321.3(RB1):c.121G>A (p.Asp41Asn)

Gene: RB1 (RB transcriptional corepressor 1; plus strand). Cytogenetic location: 13q14.2.
Variant type: single nucleotide variant.
Coding change: c.121G>A on transcript NM_000321.3 (MANE Select); coding-DNA position 121, G replaced by A.
Protein change: p.Asp41Asn; replaces aspartic acid 41 with asparagine.
Molecular consequence: missense variant.
Genome position (GRCh38, 1-based): chr13:48,304,033, G>A. VCF-style: chr13-48304033-G-A. GRCh37 (hg19) VCF-style: chr13-48878169-G-A.
Other names: c.121G>A (NM_000321.2); short protein forms D41N.
Identifiers: ClinVar variation 1010579 (VCV001010579.9), dbSNP rs775161380, ClinGen allele CA388250372.
Genomic context (GRCh38, chr13:48,304,033, plus strand): 5'-CCGGCACCGCCGCCGCCGCCCCCTCCTGAGGAGGACCCAGAGCAGGACAGCGGCCCGGAG[G>A]ACCTGCCTCTCGTCAGGTGAGCGAGCAGAGCCGCCGTCGCCTCACGCGGGAAGGGCGCCC-3'
Protein context (NP_000312.2, residues 31-51): EDPEQDSGPE[Asp41Asn]LPLVRLEFEE

ClinVar aggregate classification (germline): Uncertain significance. Review status: criteria provided, multiple submitters, no conflicts (2 of 4 stars). 2 submissions from 2 submitters: Uncertain significance (2). Last evaluated 2024-02-21.

Conditions:
Hereditary cancer-predisposing syndrome. Also called: Tumor predisposition; Hereditary neoplastic syndrome; Neoplastic Syndromes, Hereditary; Hereditary Cancer Syndrome. Identifiers: Orphanet 140162, MedGen C0027672, MeSH D009386, MONDO:0015356.
Retinoblastoma (RB1). Also called: RETINOBLASTOMA, SOMATIC. Identifiers: Orphanet 790, MedGen C0035335, MeSH D012175, MONDO:0008380, OMIM 180200, HP:0009919. Disease mechanism: loss of function. Inheritance: Both sporadic and heritable forms are tested..

Submissions (2):

Ambry Genetics
Classification: Uncertain significance for Hereditary cancer-predisposing syndrome. Last evaluated: 2024-02-21. Review status: criteria provided, single submitter. Criteria: Ambry Variant Classification Scheme 2023. Collection method: clinical testing. Allele origin: germline.
Comment: The p.D41N variant (also known as c.121G>A), located in coding exon 1 of the RB1 gene, results from a G to A substitution at nucleotide position 121. The aspartic acid at codon 41 is replaced by asparagine, an amino acid with highly similar properties. This amino acid position is well conserved in available vertebrate species. In addition, this alteration is predicted to be tolerated by in silico analysis. Based on the available evidence, the clinical significance of this alteration remains unclear.

Labcorp Genetics (formerly Invitae), Labcorp
Classification: Uncertain significance for Retinoblastoma. Last evaluated: 2020-02-11. Review status: criteria provided, single submitter. Criteria: Invitae Variant Classification Sherloc (09022015). Collection method: clinical testing. Allele origin: germline.
Comment: This sequence change replaces aspartic acid with asparagine at codon 41 of the RB1 protein (p.Asp41Asn). The aspartic acid residue is moderately conserved and there is a small physicochemical difference between aspartic acid and asparagine. The frequency data for this variant in the population databases is considered unreliable, as metrics indicate insufficient coverage at this position in the ExAC database. This variant has not been reported in the literature in individuals with RB1-related conditions. Algorithms developed to predict the effect of missense changes on protein structure and function (SIFT, PolyPhen-2, Align-GVGD) all suggest that this variant is likely to be tolerated, but these predictions have not been confirmed by published functional studies and their clinical significance is uncertain. In summary, the available evidence is currently insufficient to determine the role of this variant in disease. Therefore, it has been classified as a Variant of Uncertain Significance.